The following is an entry in ClinVar:

NM_024496.4(IRF2BPL):c.1748C>G (p.Ala583Gly)

Gene: IRF2BPL (interferon regulatory factor 2 binding protein like; minus strand). Cytogenetic location: 14q24.3.
Variant type: single nucleotide variant.
Coding change: c.1748C>G on transcript NM_024496.4 (MANE Select); coding-DNA position 1748, C replaced by G.
Protein change: p.Ala583Gly; replaces alanine 583 with glycine.
Molecular consequence: missense variant.
Genome position (GRCh38, 1-based): chr14:77,026,045, G>C on the plus strand (C>G on the coding strand, the complement: IRF2BPL is on the minus strand). VCF-style: chr14-77026045-G-C. GRCh37 (hg19) VCF-style: chr14-77492388-G-C.
Other names: short protein forms A583G.
Identifiers: ClinVar variation 3344562 (VCV003344562.1).
Genomic context (GRCh38, chr14:77,026,045, plus strand): 5'-AGAGGTGGGGGCGGCGGAGGCGGACCCCCCGCCGCGTGCCCCGGCGCCGCGAAGCCCCCG[G>C]CGGACATGGTGAGCTTCAGCGCCTCGCTCTGGTTCGCCATCCACTGCTGCCTCTGCTGTT-3'
Protein context (NP_078772.1, residues 573-593): QSEALKLTMS[Ala583Gly]GGFAAPGHAA

ClinVar aggregate classification (germline): Uncertain significance (0 of 4 stars; one submission).

Conditions:
IRF2BPL-related disorder. Also called: IRF2BPL-related condition. Identifiers: MedGen CN381093.

Submission:

PreventionGenetics, part of Exact Sciences
Classification: Uncertain significance for IRF2BPL-related condition. Last evaluated: 2024-09-04. Review status: no assertion criteria provided. Collection method: clinical testing. Allele origin: germline.
Comment: The IRF2BPL c.1748C>G variant is predicted to result in the amino acid substitution p.Ala583Gly. To our knowledge, this variant has not been reported in the literature or in a large population database, indicating this variant is rare. At this time, the clinical significance of this variant is uncertain due to the absence of conclusive functional and genetic evidence.